The following continues an entry in ClinVar:

NM_000350.3(ABCA4):c.5882G>A (p.Gly1961Glu)

Gene: ABCA4. ClinVar aggregate classification (germline): Pathogenic. Pathogenic (1).

Submissions 7 to 15 of 79:

Department of Molecular Genetics, Istishari Arab Hospital
Classification: Pathogenic for Severe early-childhood-onset retinal dystrophy. Last evaluated: 2026-03-02. Review status: criteria provided, single submitter. Criteria: ACMG Guidelines, 2015. Collection method: clinical testing. Allele origin: germline. Inheritance: Autosomal recessive inheritance. Affected: yes. Not counted in ClinVar's aggregate classification.
Comment: The ABCA4 variant c.5882G>A, p.Gly1961Glu creates an amino acid change from Gly to Glu at position 1961. This variant has been detected in hundreds of individuals with Stargardt disease (PMIDs: 29925512, 33909047). At least seven individuals were homozygous for the variant, and at least three were compound heterozygous for the variant and another pathogenic variant in ABCA4, as confirmed in trans by parental testing (PMIDs: 25922843, 33909047). At least one patient with this variant displayed the presence of at least two ABCA4 variants, onset under 18 years of age, macular flecks on imaging, macular atrophy, central scotoma, choriocapillaris atrophy, and severely reduced visual acuity, which is highly specific for ABCA4-related retinopathy (PMID: 22661473). The variant has been reported to segregate with ABCA4-related retinopathy in affected individuals across at least six families. (PMIDs: 16896346, 19217903, 23769331, 31318848). The prevalence of the variant in affected individuals is significantly increased compared with the prevalence in controls. The odds ratio is 27.8, and the confidence interval is 24.81 to 31.13, which is above the ABCA4 VCEP threshold of ≥5, where the CI does not contain 1 (PMID: 35120629). Measurement of ATPase activity in ABCA4 mutant transfected HEK293 cells showed p.Gly1961Glu exhibiting a reduced basal ATPase activity when inhibited by retinal, an indication of this variant’s impact on protein function (PMID: 11017087). Of note, this variant appears to be associated with a milder phenotype and may have no phenotype if inherited in a homozygous state with no other pathogenic ABCA4 variants (PMID: 38602673). This variant is classified as pathogenic according to the recommendations of ACMG/AMP/ClinGen SVI guidelines. The c.5882G>A p.Gly1961Glu variant in ABCA4 is classically associated with a retinal dystrophy phenotype, most commonly Stargardt disease-1 (STGD1). It is a retinal disease that usually presents as a juvenile-onset macular dystrophy with rapid central visual impairment, progressive bilateral atrophy of the foveal retinal pigment epithelium, and the frequent appearance of yellowish flecks, defined as lipofuscin deposits, around the macula and/or in the central and near-peripheral areas of the retina.

OLLIN Analises Genomicas, OLLIN
Classification: Pathogenic for Severe early-childhood-onset retinal dystrophy. Last evaluated: 2026-02-13. Review status: criteria provided, single submitter. Criteria: ACMG Guidelines 2015 PMID 25741868. Collection method: clinical testing. Allele origin: germline. Observed: 1 variant allele. Not counted in ClinVar's aggregate classification.
Comment: PS3_P, PM3_VS, PM5, PP2, PP3, BS1

Labcorp Genetics (formerly Invitae), Labcorp
Classification: Pathogenic, low penetrance. Last evaluated: 2026-02-01. Review status: criteria provided, single submitter. Criteria: Invitae Variant Classification Sherloc (09022015). Collection method: clinical testing. Allele origin: germline. Not counted in ClinVar's aggregate classification.
Comment: This sequence change replaces glycine, which is neutral and non-polar, with glutamic acid, which is acidic and polar, at codon 1961 of the ABCA4 protein (p.Gly1961Glu). This variant is present in population databases (rs1800553, gnomAD 2.3%), including at least one homozygous and/or hemizygous individual. This variant has been observed in many individuals with autosomal recessive Stargardt disease, and has been found in trans (on the opposite chromosome) from many different pathogenic variants (PMID: 28559085, 28181551, 30060493, 19074458, 29555955). This variant appears to be significantly enriched in individuals with Stargardt compared to the general population (PMID: 28327576). In addition, in a large meta-analysis, this variant conferred a 3.2-fold increased risk (95% CI: 1.74–5.95) for age-related macular degeneration in heterozygous carriers (PMID: 25921964). This variant appears to be associated with milder and/or later onset disease (PMID: 28327576, 28446513). ClinVar contains an entry for this variant (Variation ID: 7888). Invitae Evidence Modeling of protein sequence and biophysical properties (such as structural, functional, and spatial information, amino acid conservation, physicochemical variation, residue mobility, and thermodynamic stability) indicates that this missense variant is expected to disrupt ABCA4 protein function with a positive predictive value of 95%. Experimental studies have shown that this missense change affects ABCA4 function (PMID: 11017087, 29847635). In summary, this variant is reported to cause disease. However, because this variant is associated with a milder form of disease than other pathogenic alleles in the ABCA4 gene, and because it is found in homozygosity in healthy individuals, it has been classified as Pathogenic (low penetrance).

Genetics Laboratory, Great Ormond Street Hospital NHS Foundation Trust, North Thames Genomic Laboratory Hub
Classification: Established risk allele for Retinal disorders. Last evaluated: 2026-01-28. Review status: criteria provided, single submitter. Criteria: ACGS Best Practice Guidelines for Variant Classification in Rare Disease 2024 v1.2. Collection method: clinical testing. Allele origin: germline. Affected: yes. Not counted in ClinVar's aggregate classification.
Comment: Common hypomorphic variant, likely pathogenic only when seen in trans with class 4/5

Variantyx, Inc.
Classification: Pathogenic for Autosomal recessive ABCA4-related disorders. Last evaluated: 2026-01-14. Review status: criteria provided, single submitter. Criteria: Variantyx Assertion Criteria 2022. Collection method: clinical testing. Allele origin: germline. Inheritance: Autosomal recessive inheritance. Affected: no. Not counted in ClinVar's aggregate classification.
Comment: This is a nonsynonymous variant in the ABCA4 gene (OMIM: 601691). Pathogenic variants in this gene have been associated with autosomal recessive ABCA4-related disorders. This variant has been identified in the homozygous or compound heterozygous state in over 20 unrelated individuals reported in the published literature (PMID: 19074458, 28181551, 28559085, 29555955, 30060493) (PM3_Strong). Functional studies have shown that this variant alters ABCA4 protein function (PMID: 11017087, 29847635) (PS3) and Multiple computational algorithms predict a deleterious effect for this variant (REVEL score: 0.76) (PP3). Alternate amino acid change(s) at this position (p.Gly1961Arg) have been previously reported in similarly affected individuals, which suggests that this residue is biologically important (PMID:¬†23755871, 19074458, 26780318, 28118664) (PM5). This variant has a 1.3123% maximum allele frequency in non-founder control populations. Based on the current evidence, this variant is classified as pathogenic for autosomal recessive ABCA4-related disorders.No other variant of clinical significance was identified in the ABCA4 gene.

3billion
Classification: Pathogenic for ABCA4-related disorder. Last evaluated: 2026-01-08. Review status: criteria provided, single submitter. Criteria: ACMG Guidelines, 2015. Collection method: clinical testing. Allele origin: germline. Affected: yes. Not counted in ClinVar's aggregate classification.
Comment: The variant is observed in the gnomAD v4.1.0 dataset (total allele frequency: 0.341%). Predicted Consequence/Location: Missense variant In silico tool predictions suggest damaging effect of the variant on gene or gene product [REVEL: 0.76 (>=0.6, sensitivity 0.68 and specificity 0.92); 3Cnet: 0.85 (> 0.75, sensitivity 0.96 and precision 0.92)]. The same nucleotide change resulting in the same amino acid change has been previously reported as pathogenic/likely pathogenic with strong evidence (ClinVar ID: VCV000007888 /PMID: 9295268 /3billion dataset). The variant has been reported to be in trans with a pathogenic variant as either compound heterozygous or homozygous in at least 2 similarly affected unrelated individuals (PMID: 26527198, 33258285). Different missense changes at the same codon (p.Gly1961Ala, p.Gly1961Arg) have been reported as pathogenic/likely pathogenic with strong evidence (ClinVar ID: VCV000236140 /PMID: 22427542 /3billion dataset). Therefore, this variant is classified as Pathogenic according to the recommendation of ACMG/AMP guideline.

Research Institute for Ophthalmology and Vision Science, Shahid Beheshti University of Medical Sciences
Classification: Pathogenic for Severe early-childhood-onset retinal dystrophy. Last evaluated: 2025-12-07. Review status: criteria provided, single submitter. Criteria: ACMG Guidelines, 2015. Collection method: research. Allele origin: germline. Inheritance: Autosomal recessive inheritance. Affected: yes. Not counted in ClinVar's aggregate classification.

First Genomix Gene Laboratory, Genetic Diagnostics Department
Classification: Pathogenic for Cone-rod dystrophy 3; Severe early-childhood-onset retinal dystrophy; Retinitis pigmentosa 19. Last evaluated: 2025-04-11. Review status: criteria provided, single submitter. Criteria: ACMG Guidelines, 2015. Collection method: clinical testing. Allele origin: germline. Inheritance: Autosomal recessive inheritance. Affected: no. Observed: 1 variant allele. Not counted in ClinVar's aggregate classification.

Variantyx, Inc.
Classification: Pathogenic for ABCA4-related retinopathy. Last evaluated: 2025-03-28. Review status: criteria provided, single submitter. Criteria: Variantyx Assertion Criteria 2022. Collection method: clinical testing. Allele origin: maternal. Inheritance: Autosomal recessive inheritance. Not counted in ClinVar's aggregate classification.
Comment: This is a nonsynonymous variant in the ABCA4 gene (OMIM: 601691). Pathogenic variants in this gene have been associated with autosomal recessive ABCA4-related disorders. Functional studies have shown that this variant alters ABCA4 protein function (PMID: 11017087, 29847635) (PS3) and multiple computational algorithms predict a deleterious effect for this variant (REVEL score: 0.76) (PP3). An alternate amino acid change at this position (p.Gly1961Arg) has been previously reported in similarly affected individuals, which suggests that this residue is biologically important (PMID: 23755871, 19074458, 26780318, 28118664) (PM5). This variant has a 1.3123% maximum allele frequency in non-founder control populations. Based on the current evidence, this variant is classified as pathogenic for autosomal recessive ABCA4-related disorders.